The following is an entry in ClinVar:

ClinVar aggregate classification (germline): Likely benign. Review status: criteria provided, multiple submitters, no conflicts (2 of 4 stars). 2 submissions from 2 submitters: Likely benign (2). Last evaluated 2025-12-28.

Allele frequency attached by ClinVar (database versions not stated): gnomAD exomes 0.00003; ExAC 0.00007; ESP Exome Variant Server 0.00008; gnomAD 0.00016; TOPMed 0.00021.
gnomAD v4.1: 69 of 1,613,672 alleles (0.0043%); highest among the groups gnomAD compares: African/African-American, 0.084%; no homozygotes.

Submissions (2):

Labcorp Genetics (formerly Invitae), Labcorp
Classification: Likely benign. Last evaluated: 2025-12-28. Review status: criteria provided, single submitter. Criteria: Invitae Variant Classification Sherloc (09022015). Collection method: clinical testing. Allele origin: germline.

CeGaT Center for Human Genetics Tuebingen
Classification: Likely benign. Last evaluated: 2023-09-01. Review status: criteria provided, single submitter. Criteria: CeGaT Center For Human Genetics Tuebingen Variant Classification Criteria Version 2. Collection method: clinical testing. Allele origin: germline. Affected: yes. Observed: 1 variant allele.
Comment: KIF14: BP4

NM_014875.3(KIF14):c.2229C>G (p.Leu743=)

Gene: KIF14 (kinesin family member 14; minus strand). Cytogenetic location: 1q32.1.
Variant type: single nucleotide variant.
Coding change: c.2229C>G on transcript NM_014875.3 (MANE Select); coding-DNA position 2229, C replaced by G.
Protein change: p.Leu743=; no amino-acid change (leucine 743 retained).
Molecular consequence: synonymous variant.
Genome position (GRCh38, 1-based): chr1:200,600,427, G>C on the plus strand (C>G on the coding strand, the complement: KIF14 is on the minus strand). VCF-style: chr1-200600427-G-C. GRCh37 (hg19) VCF-style: chr1-200569555-G-C.
Other names: c.756C>G, p.Leu252= (NM_001305792.1).
Identifiers: ClinVar variation 2639720 (VCV002639720.25), dbSNP rs148023849, ClinGen allele CA1317572.